The following is an entry in ClinVar:

NM_001848.3(COL6A1):c.1784_1786delinsGG (p.Glu595fs)

Gene: COL6A1 (collagen type VI alpha 1 chain; plus strand). Cytogenetic location: 21q22.3.
Variant type: Indel.
Coding change: c.1784_1786delinsGG on transcript NM_001848.3 (MANE Select); coding-DNA positions 1784 to 1786, AGA replaced by GG.
Protein change: p.Glu595fs; shifts the reading frame from glutamic acid 595.
Molecular consequence: frameshift variant.
Genome position (GRCh38, 1-based): chr21:46,000,338-46,000,340, AGA replaced by GG. VCF-style: chr21-46000338-AGA-GG. GRCh37 (hg19) VCF-style: chr21-47420252-AGA-GG.
Other names: short protein forms E595fs.
Identifiers: ClinVar variation 4754360 (VCV004754360.2).

ClinVar aggregate classification (germline): Pathogenic. Review status: criteria provided, multiple submitters, no conflicts (2 of 4 stars). 2 submissions from 2 submitters: Pathogenic (2). Last evaluated 2026-09-01.

Conditions:
Bethlem myopathy 1A. Also called: Bethlem Muscular Dystrophy; MYOPATHY, BENIGN CONGENITAL, WITH CONTRACTURES; Bethlem myopathy 1. Identifiers: Orphanet 610, MedGen CN029274, MONDO:0024530, OMIM 158810.

Submissions (2):

CeGaT Center for Human Genetics Tuebingen
Classification: Pathogenic. Last evaluated: 2026-09-01. Review status: criteria provided, single submitter. Criteria: CeGaT Center For Human Genetics Tuebingen Variant Classification Criteria Version 2. Collection method: clinical testing. Allele origin: germline. Affected: yes. Observed: 1 variant allele.
Comment: COL6A1: PVS1, PM2

Labcorp Genetics (formerly Invitae), Labcorp
Classification: Pathogenic for Bethlem myopathy 1A. Last evaluated: 2025-10-02. Review status: criteria provided, single submitter. Criteria: Invitae Variant Classification Sherloc (09022015). Collection method: clinical testing. Allele origin: germline.
Comment: This sequence change creates a premature translational stop signal (p.Glu595Glyfs*7) in the COL6A1 gene. It is expected to result in an absent or disrupted protein product. Loss-of-function variants in COL6A1 are known to be pathogenic (PMID: 19884007, 20976770). Information on the frequency of this variant in the gnomAD database is not available, as this variant may be reported differently in the database. This premature translational stop signal has been observed in individual(s) with COL6A1-related conditions (PMID: 29172004). This variant is also known as c.1784_1786delAGAinsGG. For these reasons, this variant has been classified as Pathogenic.

Literature cited by the submitters: PubMed 19884007 (cited by Labcorp Genetics (formerly Invitae), Labcorp); PubMed 20976770 (cited by Labcorp Genetics (formerly Invitae), Labcorp); PubMed 29172004 (cited by Labcorp Genetics (formerly Invitae), Labcorp).